The following is an entry in ClinVar:

ClinVar aggregate classification (germline): Pathogenic (1 of 4 stars; one submission).

Submission:

Labcorp Genetics (formerly Invitae), Labcorp
Classification: Pathogenic. Last evaluated: 2025-10-13. Review status: criteria provided, single submitter. Criteria: Invitae Variant Classification Sherloc (09022015). Collection method: clinical testing. Allele origin: germline.
Comment: This sequence change creates a premature translational stop signal (p.Tyr427*) in the CDH23 gene. It is expected to result in an absent or disrupted protein product. Loss-of-function variants in CDH23 are known to be pathogenic (PMID: 11138009, 21940737). This variant is not present in population databases (gnomAD no frequency). This variant has not been reported in the literature in individuals affected with CDH23-related conditions. For these reasons, this variant has been classified as Pathogenic.

Literature cited by the submitters: PubMed 11138009; PubMed 21940737.

NM_022124.6(CDH23):c.1281C>A (p.Tyr427Ter)

Gene: CDH23 (cadherin related 23; plus strand). Cytogenetic location: 10q22.1.
Variant type: single nucleotide variant.
Coding change: c.1281C>A on transcript NM_022124.6 (MANE Select); coding-DNA position 1281, C replaced by A.
Protein change: p.Tyr427Ter; replaces tyrosine 427 with a stop codon.
Molecular consequence: nonsense.
Genome position (GRCh38, 1-based): chr10:71,645,971, C>A. VCF-style: chr10-71645971-C-A. GRCh37 (hg19) VCF-style: chr10-73405728-C-A.
Other names: c.1281C>A, p.Tyr427Ter (NM_001171930.2, NM_001171931.2, NM_052836.4); short protein forms Y427*.
Identifiers: ClinVar variation 4724080 (VCV004724080.1).